The following is an entry in ClinVar:

ClinVar aggregate classification (germline): Pathogenic (1 of 4 stars; one submission).

Conditions:
GLUT1 deficiency syndrome 1, autosomal recessive. Identifiers: MedGen C3149117.

Submission:

Labcorp Genetics (formerly Invitae), Labcorp
Classification: Pathogenic for GLUT1 deficiency syndrome 1, autosomal recessive. Last evaluated: 2024-09-05. Review status: criteria provided, single submitter. Criteria: Invitae Variant Classification Sherloc (09022015). Collection method: clinical testing. Allele origin: germline.
Comment: This sequence change creates a premature translational stop signal (p.Glu426*) in the SLC2A1 gene. While this is not anticipated to result in nonsense mediated decay, it is expected to disrupt the last 67 amino acid(s) of the SLC2A1 protein. This variant is not present in population databases (gnomAD no frequency). This variant has not been reported in the literature in individuals affected with SLC2A1-related conditions. ClinVar contains an entry for this variant (Variation ID: 955314). This variant disrupts a region of the SLC2A1 protein in which other variant(s) (p.Pro485Leu) have been determined to be pathogenic (PMID: 18387950, 19237265, 20129935, 30197081, 32802945). This suggests that this is a clinically significant region of the protein, and that variants that disrupt it are likely to be disease-causing. For these reasons, this variant has been classified as Pathogenic.

Literature cited by the submitters: PubMed 18387950; PubMed 19237265; PubMed 20129935; PubMed 30197081; PubMed 32802945.

NM_006516.4(SLC2A1):c.1276G>T (p.Glu426Ter)

Gene: SLC2A1 (solute carrier family 2 member 1; minus strand). Cytogenetic location: 1p34.2.
Variant type: single nucleotide variant.
Coding change: c.1276G>T on transcript NM_006516.4 (MANE Select); coding-DNA position 1276, G replaced by T.
Protein change: p.Glu426Ter; replaces glutamic acid 426 with a stop codon.
Molecular consequence: nonsense.
Genome position (GRCh38, 1-based): chr1:42,927,607, C>A on the plus strand (G>T on the coding strand, the complement: SLC2A1 is on the minus strand). VCF-style: chr1-42927607-C-A. GRCh37 (hg19) VCF-style: chr1-43393278-C-A.
Other names: short protein forms E426*.
Identifiers: ClinVar variation 955314 (VCV000955314.10), dbSNP rs1643440876, ClinGen allele CA339953603.